The following is an entry in ClinVar:

NM_001018005.2(TPM1):c.75G>A (p.Ala25=)

Gene: TPM1 (tropomyosin 1; plus strand). Cytogenetic location: 15q22.2.
Variant type: single nucleotide variant.
Coding change: c.75G>A on transcript NM_001018005.2 (MANE Select); coding-DNA position 75, G replaced by A.
Protein change: p.Ala25=; no amino-acid change (alanine 25 retained).
Molecular consequence: synonymous variant.
Genome position (GRCh38, 1-based): chr15:63,042,904, G>A. VCF-style: chr15-63042904-G-A. GRCh37 (hg19) VCF-style: chr15-63335103-G-A.
Other names: c.75G>A, p.Ala25= (NM_000366.6, NM_001018004.2, NM_001018006.2 and 7 more transcripts).
Identifiers: ClinVar variation 926339 (VCV000926339.3), dbSNP rs1214191576, ClinGen allele CA490677860.
Genomic context (GRCh38, chr15:63,042,904, plus strand): 5'-GAAGAAGATGCAGATGCTGAAGCTCGACAAGGAGAACGCCTTGGATCGAGCTGAGCAGGC[G>A]GAGGCCGACAAGAAGGCGGCGGAAGACAGGAGCAAGCAGGTCTGCGCCTCCCCGGCCCTG-3'
Protein context (NP_001018005.1, residues 15-35): KENALDRAEQ[Ala25=]EADKKAAEDR

ClinVar aggregate classification (germline): Likely benign. Review status: criteria provided, multiple submitters, no conflicts (2 of 4 stars). 2 submissions from 2 submitters: Likely benign (2). Last evaluated 2023-11-28.

Conditions:
Cardiomyopathy (CMYO). Also called: Cardiomyopathies. Identifiers: Orphanet 167848, MedGen C0878544, MONDO:0004994, HP:0001638. Inheritance: Various modes of inheritance.
Hypertrophic cardiomyopathy. Also called: HYPERTROPHIC MYOCARDIOPATHY. Identifiers: Orphanet 217569, MedGen C0007194, MeSH D002312, MONDO:0005045, HP:0001639.

Submissions (2):

All of Us Research Program, National Institutes of Health
Classification: Likely benign for Hypertrophic cardiomyopathy. Last evaluated: 2023-11-28. Review status: criteria provided, single submitter. Criteria: ACMG Guidelines, 2015. Collection method: clinical testing. Allele origin: germline. Inheritance: Autosomal dominant inheritance. Observed: 1 variant allele, 1 heterozygote.
Comment: This study involves interpretation of variants in research participants for the purpose of population health screening. Participant phenotype was not available at the time of variant classification. Additional details can be found in publication PMID: 35346344, PMCID: PMC8962531

Color Diagnostics, LLC DBA Color Health
Classification: Likely benign for Cardiomyopathy. Last evaluated: 2020-03-17. Review status: criteria provided, single submitter. Criteria: ACMG Guidelines, 2015. Collection method: clinical testing. Allele origin: germline.